The following is an entry in ClinVar:

NM_000038.6(APC):c.55G>A (p.Glu19Lys)

Gene: APC (APC regulator of Wnt signaling pathway; plus strand). Cytogenetic location: 5q22.2.
Variant type: single nucleotide variant.
Coding change: c.55G>A on transcript NM_000038.6 (MANE Select); coding-DNA position 55, G replaced by A.
Protein change: p.Glu19Lys; replaces glutamic acid 19 with lysine.
Molecular consequence: missense variant. On other transcripts: 5 prime UTR variant (1), intron variant (8).
Genome position (GRCh38, 1-based): chr5:112,754,945, G>A. VCF-style: chr5-112754945-G-A. GRCh37 (hg19) VCF-style: chr5-112090642-G-A.
Other names: c.55G>A, p.Glu19Lys (NM_001127510.3, NM_001354895.2, NM_001354896.2 and 2 more transcripts); c.-981G>A (NM_001354906.2); c.166-11381G>A (NM_001354897.2, NM_001354902.2, NM_001127511.3); c.61-11381G>A (NM_001354898.2, NM_001354904.2); c.-42-11381G>A (NM_001354900.2, NM_001354901.2, NM_001354905.2); short protein forms E19K.
Identifiers: ClinVar variation 921202 (VCV000921202.12), dbSNP rs1754786861, ClinGen allele CA16021458.

ClinVar aggregate classification (germline): Uncertain significance. Review status: criteria provided, multiple submitters, no conflicts (2 of 4 stars). 4 submissions from 4 submitters: Uncertain significance (4). Last evaluated 2024-09-26.

Conditions:
Hereditary cancer-predisposing syndrome. Also called: Neoplastic Syndromes, Hereditary; Tumor predisposition; Hereditary Cancer Syndrome; Hereditary neoplastic syndrome. Identifiers: Orphanet 140162, MedGen C0027672, MeSH D009386, MONDO:0015356.
Familial adenomatous polyposis 1 (FAP1). Also called: FAMILIAL ADENOMATOUS POLYPOSIS 1, ATTENUATED; POLYPOSIS, ADENOMATOUS INTESTINAL. Identifiers: MedGen C2713442, MONDO:0021056, OMIM 175100. Disease mechanism: loss of function.
Classic or attenuated familial adenomatous polyposis. Identifiers: MedGen CN372698, MONDO:0021057.

Allele frequency attached by ClinVar (database versions not stated): TOPMed below 0.00001.

Submissions (4):

Ambry Genetics
Classification: Uncertain significance for Hereditary cancer-predisposing syndrome. Last evaluated: 2024-09-26. Review status: criteria provided, single submitter. Criteria: Ambry Variant Classification Scheme 2023. Collection method: clinical testing. Allele origin: germline.
Comment: The p.E19K variant (also known as c.55G>A), located in coding exon 1 of the APC gene, results from a G to A substitution at nucleotide position 55. The glutamic acid at codon 19 is replaced by lysine, an amino acid with similar properties. This amino acid position is conserved. In addition, in silico predictors for this gene do not accurately predict pathogenicity. Based on the available evidence, the clinical significance of this variant remains unclear.

Color Diagnostics, LLC DBA Color Health
Classification: Uncertain significance for Hereditary cancer-predisposing syndrome. Last evaluated: 2024-03-06. Review status: criteria provided, single submitter. Criteria: ACMG Guidelines, 2015. Collection method: clinical testing. Allele origin: germline.
Comment: This missense variant replaces glutamic acid with lysine at codon 19 of the APC protein. Computational prediction suggests that this variant may not impact protein structure and function (internally defined REVEL score threshold <= 0.5, PMID: 27666373). To our knowledge, functional studies have not been reported for this variant. This variant has not been reported in individuals affected with APC-related disorders in the literature. This variant has not been identified in the general population by the Genome Aggregation Database (gnomAD). The available evidence is insufficient to determine the role of this variant in disease conclusively. Therefore, this variant is classified as a Variant of Uncertain Significance.

All of Us Research Program, National Institutes of Health
Classification: Uncertain significance for Classic or attenuated familial adenomatous polyposis. Last evaluated: 2023-05-16. Review status: criteria provided, single submitter. Criteria: ACMG Guidelines, 2015. Collection method: clinical testing. Allele origin: germline. Inheritance: Autosomal dominant inheritance. Observed: 1 variant allele, 1 heterozygote.
Comment: This missense variant replaces glutamic acid with lysine at codon 19 of the APC protein. Computational prediction tools and conservation analyses are inconclusive regarding the impact of this variant on the protein function. Computational splicing tools suggest that this variant may not impact RNA splicing. To our knowledge, functional assays have not been performed for this variant nor has this variant been reported in individuals affected with hereditary cancer in the literature. This variant has not been identified in the general population by the Genome Aggregation Database (gnomAD). Available evidence is insufficient to determine the role of this variant in disease conclusively. Therefore, this variant is classified as a Variant of Uncertain Significance.

This study involves interpretation of variants in research participants for the purpose of population health screening. Participant phenotype was not available at the time of variant classification. Additional details can be found in publication PMID: 35346344, PMCID: PMC8962531

Labcorp Genetics (formerly Invitae), Labcorp
Classification: Uncertain significance for Familial adenomatous polyposis 1. Last evaluated: 2022-06-28. Review status: criteria provided, single submitter. Criteria: Invitae Variant Classification Sherloc (09022015). Collection method: clinical testing. Allele origin: germline.
Comment: In summary, the available evidence is currently insufficient to determine the role of this variant in disease. Therefore, it has been classified as a Variant of Uncertain Significance. Algorithms developed to predict the effect of missense changes on protein structure and function are either unavailable or do not agree on the potential impact of this missense change (SIFT: "Tolerated"; PolyPhen-2: "Probably Damaging"; Align-GVGD: "Class C0"). ClinVar contains an entry for this variant (Variation ID: 921202). This variant has not been reported in the literature in individuals affected with APC-related conditions. This variant is not present in population databases (gnomAD no frequency). This sequence change replaces glutamic acid, which is acidic and polar, with lysine, which is basic and polar, at codon 19 of the APC protein (p.Glu19Lys).